The following is an entry in ClinVar:

NM_000755.5(CRAT):c.1841T>C (p.Met614Thr)

Gene: CRAT (carnitine O-acetyltransferase; minus strand). Cytogenetic location: 9q34.11.
Variant type: single nucleotide variant.
Coding change: c.1841T>C on transcript NM_000755.5 (MANE Select); coding-DNA position 1841, T replaced by C.
Protein change: p.Met614Thr; replaces methionine 614 with threonine.
Molecular consequence: missense variant.
Genome position (GRCh38, 1-based): chr9:129,095,437, A>G on the plus strand (T>C on the coding strand, the complement: CRAT is on the minus strand). VCF-style: chr9-129095437-A-G. GRCh37 (hg19) VCF-style: chr9-131857716-A-G.
Other names: c.1778T>C, p.Met593Thr (NM_001257363.3, NM_004003.4); c.1844T>C, p.Met615Thr (NM_001346546.2); c.1769T>C, p.Met590Thr (NM_001346547.2); c.1706T>C, p.Met569Thr (NM_001346548.2); c.1721T>C, p.Met574Thr (NM_001346549.2); short protein forms M569T, M614T, M593T, M574T, M590T, M615T.
Identifiers: ClinVar variation 1519899 (VCV001519899.8), dbSNP rs1318655829, ClinGen allele CA375138571.

ClinVar aggregate classification (germline): Uncertain significance (1 of 4 stars; one submission).

Allele frequency attached by ClinVar (database versions not stated): gnomAD exomes below 0.00001.
gnomAD v4.1: 2 of 1,612,968 alleles (0.00012%); highest among the groups gnomAD compares: South Asian, 0.0011%; no homozygotes.

Submission:

Labcorp Genetics (formerly Invitae), Labcorp
Classification: Uncertain significance. Last evaluated: 2021-12-02. Review status: criteria provided, single submitter. Criteria: Invitae Variant Classification Sherloc (09022015). Collection method: clinical testing. Allele origin: germline.
Comment: In summary, the available evidence is currently insufficient to determine the role of this variant in disease. Therefore, it has been classified as a Variant of Uncertain Significance. Algorithms developed to predict the effect of missense changes on protein structure and function are either unavailable or do not agree on the potential impact of this missense change (SIFT: "Deleterious"; PolyPhen-2: "Benign"; Align-GVGD: "Class C0"). This variant has not been reported in the literature in individuals affected with CRAT-related conditions. This variant is present in population databases (no rsID available, gnomAD 0.003%). This sequence change replaces methionine, which is neutral and non-polar, with threonine, which is neutral and polar, at codon 614 of the CRAT protein (p.Met614Thr).